The following is an entry in ClinVar:

ClinVar aggregate classification (germline): Benign/Likely benign. Review status: criteria provided, multiple submitters, no conflicts (2 of 4 stars). 5 submissions from 5 submitters: Benign (1); Likely benign (3). 1 of the submissions does not count toward it. Last evaluated 2026-02-02.

Conditions:
Autosomal recessive congenital ichthyosis 5 (ARCI5). Also called: Ichthyosis, nonlamellar and nonerythrodermic, congenital, autosomal recessive; ICHTHYOSIS CONGENITA III. Identifiers: Orphanet 313, MedGen C1858133, MONDO:0011485, OMIM 604777.
CYP4F22-related disorder. Also called: CYP4F22-related condition.

Allele frequency attached by ClinVar (database versions not stated): gnomAD exomes 0.00055 and 0.00130; ExAC 0.00151; gnomAD 0.00461 and 0.00491; 1000 Genomes Project 30x 0.00500; TOPMed 0.00500; 1000 Genomes Project 0.00519; ESP Exome Variant Server 0.00538.
gnomAD v4.1: 1,542 of 1,614,172 alleles (0.096%); highest among the groups gnomAD compares: African/African-American, 1.6%; 9 homozygotes.

Submissions (5):

Labcorp Genetics (formerly Invitae), Labcorp
Classification: Benign. Last evaluated: 2026-02-02. Review status: criteria provided, single submitter. Criteria: Invitae Variant Classification Sherloc (09022015). Collection method: clinical testing. Allele origin: germline.

Blueprint Genetics
Classification: Likely benign. Last evaluated: 2024-11-01. Review status: criteria provided, single submitter. Criteria: ACMG Guidelines, 2015. Collection method: clinical testing. Allele origin: germline.

Illumina Laboratory Services, Illumina
Classification: Likely benign for Autosomal recessive congenital ichthyosis 5. Last evaluated: 2018-01-12. Review status: criteria provided, single submitter. Criteria: ICSL Variant Classification Criteria 13 December 2019. Collection method: clinical testing. Allele origin: germline.
Comment: This variant was observed in the ICSL laboratory as part of a predisposition screen in an ostensibly healthy population. It had not been previously curated by ICSL or reported in the Human Gene Mutation Database (HGMD: prior to June 1st, 2018), and was therefore a candidate for classification through an automated scoring system. Utilizing variant allele frequency, disease prevalence and penetrance estimates, and inheritance mode, an automated score was calculated to assess if this variant is too frequent to cause the disease. Based on the score and internal cut-off values, a variant classified as likely benign is not then subjected to further curation. The score for this variant resulted in a classification of likely benign for this disease.

Breakthrough Genomics
Classification: Likely benign. Review status: criteria provided, single submitter. Criteria: ACMG Guidelines, 2015. Collection method: not provided. Allele origin: germline. Inheritance: Autosomal recessive inheritance. Affected: yes.

PreventionGenetics, part of Exact Sciences
Classification: Benign for CYP4F22-related condition. Last evaluated: 2024-06-03. Review status: no assertion criteria provided. Collection method: clinical testing. Allele origin: germline. Not counted in ClinVar's aggregate classification.
Comment: This variant is classified as benign based on ACMG/AMP sequence variant interpretation guidelines (Richards et al. 2015 PMID: 25741868, with internal and published modifications).

NM_173483.4(CYP4F22):c.693C>T (p.Ser231=)

Gene: CYP4F22 (cytochrome P450 family 4 subfamily F member 22; plus strand). Cytogenetic location: 19p13.12.
Variant type: single nucleotide variant.
Coding change: c.693C>T on transcript NM_173483.4 (MANE Select); coding-DNA position 693, C replaced by T.
Protein change: p.Ser231=; no amino-acid change (serine 231 retained).
Molecular consequence: synonymous variant.
Genome position (GRCh38, 1-based): chr19:15,540,471, C>T. VCF-style: chr19-15540471-C-T. GRCh37 (hg19) VCF-style: chr19-15651282-C-T.
Identifiers: ClinVar variation 328435 (VCV000328435.15), dbSNP rs149616338, ClinGen allele CA9269677.